The following is an entry in ClinVar:

ClinVar aggregate classification (germline): Pathogenic. Review status: criteria provided, multiple submitters, no conflicts (2 of 4 stars). 2 submissions from 2 submitters: Pathogenic (2). Last evaluated 2023-09-15.

Conditions:
Bifunctional peroxisomal enzyme deficiency (DBIF). Also called: PBFE DEFICIENCY; D-bifunctional protein deficiency; DBP DEFICIENCY. Identifiers: Orphanet 300, MedGen C0342870, MONDO:0009855, OMIM 261515. Disease mechanism: loss of function.
Perrault syndrome. Also called: Gonadal dysgenesis with auditory dysfunction, autosomal recessive inheritance. Identifiers: Orphanet 2855, MedGen C0685838, MONDO:0017312.

Submissions (2):

Labcorp Genetics (formerly Invitae), Labcorp
Classification: Pathogenic for Perrault syndrome; Bifunctional peroxisomal enzyme deficiency. Last evaluated: 2023-09-15. Review status: criteria provided, single submitter. Criteria: Invitae Variant Classification Sherloc (09022015). Collection method: clinical testing. Allele origin: germline.
Comment: For these reasons, this variant has been classified as Pathogenic. This variant has not been reported in the literature in individuals affected with HSD17B4-related conditions. This variant is not present in population databases (gnomAD no frequency). This sequence change creates a premature translational stop signal (p.Asp115Thrfs*4) in the HSD17B4 gene. It is expected to result in an absent or disrupted protein product. Loss-of-function variants in HSD17B4 are known to be pathogenic (PMID: 11810648, 16385454, 20673864).

3billion
Classification: Pathogenic for Bifunctional peroxisomal enzyme deficiency. Last evaluated: 2023-08-07. Review status: criteria provided, single submitter. Criteria: ACMG Guidelines, 2015. Collection method: clinical testing. Allele origin: germline. Affected: yes.
Comment: The variant is not observed in the gnomAD v2.1.1 dataset. Predicted Consequence/Location: Frameshift: predicted to result in a loss or disruption of normal protein function through nonsense-mediated decay (NMD) or protein truncation. Multiple pathogenic variants are reported downstream of the variant. Therefore, this variant is classified as Pathogenic according to the recommendation of ACMG/AMP guideline.

Literature cited by the submitters: PubMed 11810648 (cited by Labcorp Genetics (formerly Invitae), Labcorp); PubMed 16385454 (cited by Labcorp Genetics (formerly Invitae), Labcorp); PubMed 20673864 (cited by Labcorp Genetics (formerly Invitae), Labcorp).

NM_000414.4(HSD17B4):c.343del (p.Asp115fs)

Gene: HSD17B4 (hydroxysteroid 17-beta dehydrogenase 4; plus strand). Cytogenetic location: 5q23.1.
Variant type: Deletion.
Coding change: c.343del on transcript NM_000414.4 (MANE Select); coding-DNA position 343, one base deleted (G; older notation c.343delG).
Protein change: p.Asp115fs; shifts the reading frame from aspartic acid 115.
Molecular consequence: frameshift variant. On other transcripts: 5 prime UTR variant (5), non-coding transcript variant (2), intron variant (1).
Genome position (GRCh38, 1-based): chr5:119,475,864, G deleted. VCF-style (leftmost placement, unchanged base first): chr5-119475863-AG-A. GRCh37 (hg19) VCF-style: chr5-118811558-AG-A.
Other names: c.-69del (NM_001374503.1, NM_001292028.2, NM_001374501.1 and 1 more transcripts); c.22+137del (NM_001374499.1); c.418del, p.Asp140fs (NM_001199291.3); c.289del, p.Asp97fs (NM_001199292.2); c.271del, p.Asp91fs (NM_001292027.2); c.343del, p.Asp115fs (NM_001374497.1, NM_001374498.1); c.-196del (NM_001374500.1); short protein forms D140fs, D97fs, D115fs, D91fs.
Identifiers: ClinVar variation 2938015 (VCV002938015.4), dbSNP rs2531610643, ClinGen allele CA2740094027.